The following is an entry in ClinVar:

ClinVar aggregate classification (germline): Uncertain significance (1 of 4 stars; one submission).

Conditions:
Infantile neuroaxonal dystrophy (NBIA2A). Also called: NEURODEGENERATION WITH BRAIN IRON ACCUMULATION 2A; SEITELBERGER DISEASE; Infantile neuroaxonal dystrophy 1. Identifiers: Orphanet 35069, MedGen C0270724, MONDO:0024457, OMIM 256600.

Allele frequency attached by ClinVar (database versions not stated): gnomAD exomes below 0.00001; TOPMed 0.00002; gnomAD 0.00001.

Submission:

Labcorp Genetics (formerly Invitae), Labcorp
Classification: Uncertain significance for Infantile neuroaxonal dystrophy. Last evaluated: 2022-02-21. Review status: criteria provided, single submitter. Criteria: Invitae Variant Classification Sherloc (09022015). Collection method: clinical testing. Allele origin: germline.
Comment: This sequence change falls in intron 8 of the PLA2G6 gene. It does not directly change the encoded amino acid sequence of the PLA2G6 protein. It affects a nucleotide within the consensus splice site. This variant is not present in population databases (gnomAD no frequency). This variant has not been reported in the literature in individuals affected with PLA2G6-related conditions. Variants that disrupt the consensus splice site are a relatively common cause of aberrant splicing (PMID: 17576681, 9536098). Algorithms developed to predict the effect of sequence changes on RNA splicing suggest that this variant may create or strengthen a splice site. In summary, the available evidence is currently insufficient to determine the role of this variant in disease. Therefore, it has been classified as a Variant of Uncertain Significance.

Literature cited by the submitters: PubMed 17576681; PubMed 9536098.

NM_003560.4(PLA2G6):c.1186+3A>G

Gene: PLA2G6 (phospholipase A2 group VI; minus strand). Cytogenetic location: 22q13.1.
Variant type: single nucleotide variant.
Coding change: c.1186+3A>G on transcript NM_003560.4 (MANE Select); 3 bases into the intron after coding-DNA position 1186, A replaced by G.
Molecular consequence: intron variant.
Genome position (GRCh38, 1-based): chr22:38,129,451, T>C on the plus strand (A>G on the coding strand, the complement: PLA2G6 is on the minus strand). VCF-style: chr22-38129451-T-C. GRCh37 (hg19) VCF-style: chr22-38525458-T-C.
Other names: c.508+3A>G (NM_001349868.2); c.1186+3A>G (NM_001349866.2, NM_001199562.3, NM_001349865.2 and 2 more transcripts); c.652+3A>G (NM_001349869.2, NM_001349867.2).
Identifiers: ClinVar variation 1896118 (VCV001896118.2), dbSNP rs1180293786, ClinGen allele CA752956481.
Genomic context (GRCh38, chr22:38,129,451, plus strand): 5'-TCCTCGGTCCCTGTATCCACCCAACCCTCACCCCACTCCAGCCCCAGAGTGCAGAGCACA[T>C]ACGTCTGCCGATTTTGGAGGCTAGGAATGTAGGAGTCTCCCCAAAGTCATTCGGGGTGTC-3'